The following is an entry in ClinVar:

NM_006859.4(LIAS):c.737+1G>A

Gene: LIAS (lipoic acid synthetase; plus strand). Cytogenetic location: 4p14.
Variant type: single nucleotide variant.
Coding change: c.737+1G>A on transcript NM_006859.4 (MANE Select); the canonical splice donor site of the intron after coding-DNA position 737, G replaced by A.
Molecular consequence: splice donor variant. On other transcripts: intron variant (1).
Genome position (GRCh38, 1-based): chr4:39,467,647, G>A. VCF-style: chr4-39467647-G-A. GRCh37 (hg19) VCF-style: chr4-39469267-G-A.
Other names: c.737+1G>A (NM_194451.3); c.608+2305G>A (NM_001278590.2); c.428+1G>A (NM_001363700.2).
Identifiers: ClinVar variation 572236 (VCV000572236.8), dbSNP rs546751789, ClinGen allele CA2894745.

ClinVar aggregate classification (germline): Likely pathogenic (1 of 4 stars; one submission).

Conditions:
Lipoic acid synthetase deficiency. Also called: HYPERGLYCINEMIA, LACTIC ACIDOSIS, AND SEIZURES. Identifiers: Orphanet 401859, MedGen C3280887, MONDO:0013762, OMIM 614462.

Allele frequency attached by ClinVar (database versions not stated): 1000 Genomes Project 0.00040; 1000 Genomes Project 30x 0.00047; TOPMed below 0.00001; gnomAD 0.00001; gnomAD exomes 0.00001 and 0.00003; ExAC 0.00003.

Submission:

Labcorp Genetics (formerly Invitae), Labcorp
Classification: Likely pathogenic for Lipoic acid synthetase deficiency. Last evaluated: 2022-08-27. Review status: criteria provided, single submitter. Criteria: Invitae Variant Classification Sherloc (09022015). Collection method: clinical testing. Allele origin: germline.
Comment: This sequence change affects a donor splice site in intron 7 of the LIAS gene. It is expected to disrupt RNA splicing. Variants that disrupt the donor or acceptor splice site typically lead to a loss of protein function (PMID: 16199547), and loss-of-function variants in LIAS are known to be pathogenic (PMID: 24334290, 27923773). This variant is present in population databases (rs546751789, gnomAD 0.02%). This variant has not been reported in the literature in individuals affected with LIAS-related conditions. ClinVar contains an entry for this variant (Variation ID: 572236). Algorithms developed to predict the effect of sequence changes on RNA splicing suggest that this variant may disrupt the consensus splice site. In summary, the currently available evidence indicates that the variant is pathogenic, but additional data are needed to prove that conclusively. Therefore, this variant has been classified as Likely Pathogenic.

Literature cited by the submitters: PubMed 16199547; PubMed 24334290; PubMed 27923773.